The following is an entry in ClinVar:

NM_015122.3(FCHO1):c.2628dup (p.Lys877fs)

Gene: FCHO1 (FCH and mu domain containing endocytic adaptor 1; plus strand). Cytogenetic location: 19p13.11.
Variant type: Duplication.
Coding change: c.2628dup on transcript NM_015122.3 (MANE Select); coding-DNA position 2628, one base duplicated (G; older notation c.2628dupG).
Protein change: p.Lys877fs; shifts the reading frame from lysine 877.
Molecular consequence: frameshift variant. On other transcripts: non-coding transcript variant (36).
Genome position (GRCh38, 1-based): chr19:17,787,827, G duplicated. VCF-style (leftmost placement, unchanged base first): chr19-17787826-T-TG. GRCh37 (hg19) VCF-style: chr19-17898635-T-TG.
Other names: c.2628dup, p.Lys877fs (NM_001161357.2, NM_001161358.2, NM_001384370.1 and 11 more transcripts); c.2478dup, p.Lys827fs (NM_001161359.2, NM_001384384.1, NM_001384385.1 and 1 more transcripts); c.2607dup, p.Lys870fs (NM_001384387.1); c.2589dup, p.Lys864fs (NM_001384388.1, NM_001384389.1); c.2553dup, p.Lys852fs (NM_001384390.1); c.2428dup, p.Glu810fs (NM_001384391.1); c.2511dup, p.Lys838fs (NM_001384392.1, NM_001384393.1, NM_001384394.1 and 1 more transcripts); c.2352dup, p.Lys785fs (NM_001384396.1, NM_001384397.1, NM_001384398.1 and 4 more transcripts); and 5 more; short protein forms E668fs, E718fs, E810fs, K576fs, K753fs, K770fs, K785fs, K827fs.
Identifiers: ClinVar variation 4078638 (VCV004078638.2).

ClinVar aggregate classification (germline): Conflicting classifications of pathogenicity. Review status: criteria provided, conflicting classifications (1 of 4 stars). 2 submissions from 2 submitters: Likely pathogenic (1); Uncertain significance (1). Last evaluated 2026-07-01.

Conditions:
Immunodeficiency 76. Identifiers: Orphanet 647804, MedGen C5543004, MONDO:0030898, OMIM 619164.

Submissions (2):

CeGaT Center for Human Genetics Tuebingen
Classification: Likely pathogenic. Last evaluated: 2026-07-01. Review status: criteria provided, single submitter. Criteria: CeGaT Center For Human Genetics Tuebingen Variant Classification Criteria Version 2. Collection method: clinical testing. Allele origin: germline. Affected: yes. Observed: 1 variant allele.
Comment: FCHO1: PM2, PM3, PVS1:Moderate

Revvity Omics, Revvity
Classification: Uncertain significance for Immunodeficiency 76. Last evaluated: 2024-08-02. Review status: criteria provided, single submitter. Criteria: ACMG Guidelines, 2015. Collection method: clinical testing. Allele origin: germline.